The following is an entry in ClinVar:

ClinVar aggregate classification (germline): Pathogenic (1 of 4 stars; one submission).

Conditions:
Neuronal ceroid lipofuscinosis 1 (CLN1). Also called: CEROID LIPOFUSCINOSIS, NEURONAL, 1, VARIABLE AGE AT ONSET; PPT1-Related Neuronal Ceroid-Lipofuscinosis. Identifiers: Orphanet 228329, MedGen C1850451, MONDO:0009744, OMIM 256730.

Submission:

Labcorp Genetics (formerly Invitae), Labcorp
Classification: Pathogenic for Neuronal ceroid lipofuscinosis 1. Last evaluated: 2023-09-08. Review status: criteria provided, single submitter. Criteria: Invitae Variant Classification Sherloc (09022015). Collection method: clinical testing. Allele origin: unknown.
Comment: This variant is a gross deletion of the genomic region encompassing exon(s) 8 of the PPT1 gene. This variant would be expected to be in-frame, preserving the integrity of the reading frame. This variant has not been reported in the literature in individuals affected with PPT1-related conditions. This variant disrupts a region of the PPT1 protein in which other variant(s) (p.Tyr247His) have been determined to be pathogenic (PMID: 9664077, 11440996, 23857568, 29631617). This suggests that this is a clinically significant region of the protein, and that variants that disrupt it are likely to be disease-causing. For these reasons, this variant has been classified as Pathogenic.

Literature cited by the submitters: PubMed 9664077; PubMed 11440996; PubMed 23857568; PubMed 29631617.

NC_000001.10:g.(?_40542494)_(40542605_?)del

Gene: PPT1 (palmitoyl-protein thioesterase 1; minus strand). Cytogenetic location: 1p34.2.
Variant type: Deletion.
Identifiers: ClinVar variation 3247750 (VCV003247750.1).